The following is an entry in ClinVar:

NM_024120.5(NDUFAF5):c.84del (p.Val29fs)

Genes: NDUFAF5 (NADH:ubiquinone oxidoreductase complex assembly factor 5; plus strand), LOC130065433 (ATAC-STARR-seq lymphoblastoid active region 17552; plus strand). Cytogenetic location: 20p12.1.
Variant type: Deletion.
Coding change: c.84del on transcript NM_024120.5 (MANE Select); coding-DNA position 84, one base deleted (A; older notation c.84delA).
Protein change: p.Val29fs; shifts the reading frame from valine 29.
Molecular consequence: frameshift variant. On other transcripts: 5 prime UTR variant (3), non-coding transcript variant (7).
Genome position (GRCh38, 1-based): chr20:13,785,152, A deleted; the last of 2 consecutive A bases (chr20:13,785,151-13,785,152); deleting either gives the same sequence. VCF-style (leftmost placement, unchanged base first): chr20-13785150-GA-G. GRCh37 (hg19) VCF-style: chr20-13765796-GA-G.
Other names: c.84del, p.Val29fs (NM_001039375.3, NM_001352408.2); c.-284del (NM_001352403.2); c.-498del (NM_001352406.2); c.-612del (NM_001352407.2); short protein forms V29fs.
Identifiers: ClinVar variation 2814813 (VCV002814813.3), dbSNP rs2516092206, ClinGen allele CA2739277070.

ClinVar aggregate classification (germline): Pathogenic (1 of 4 stars; one submission).

Submission:

Labcorp Genetics (formerly Invitae), Labcorp
Classification: Pathogenic. Last evaluated: 2022-11-17. Review status: criteria provided, single submitter. Criteria: Invitae Variant Classification Sherloc (09022015). Collection method: clinical testing. Allele origin: germline.
Comment: For these reasons, this variant has been classified as Pathogenic. This variant has not been reported in the literature in individuals affected with NDUFAF5-related conditions. This variant is not present in population databases (gnomAD no frequency). This sequence change creates a premature translational stop signal (p.Val29Serfs*16) in the NDUFAF5 gene. It is expected to result in an absent or disrupted protein product. Loss-of-function variants in NDUFAF5 are known to be pathogenic (PMID: 26275793, 30473481, 32918965).

Literature cited by the submitters: PubMed 26275793; PubMed 30473481; PubMed 32918965.